The following is an entry in ClinVar:

ClinVar aggregate classification (germline): Uncertain significance (1 of 4 stars; one submission).

Submission:

GeneDx
Classification: Uncertain significance. Last evaluated: 2024-11-16. Review status: criteria provided, single submitter. Criteria: GeneDx Variant Classification Process June 2021. Collection method: clinical testing. Allele origin: germline. Affected: yes.
Comment: Nonsense variant predicted to result in protein truncation or nonsense mediated decay in a gene for which loss of function is a known mechanism of disease; Has not been previously published as pathogenic or benign to our knowledge

NM_145246.5(FRA10AC1):c.141_142del (p.Ala47_His48insTer)

Gene: FRA10AC1 (FRA10A associated CGG repeat 1; minus strand). Cytogenetic location: 10q23.33.
Variant type: Deletion.
Coding change: c.141_142del on transcript NM_145246.5 (MANE Select); coding-DNA positions 141 to 142, 2 bases deleted (CC; older notation c.141_142delCC).
Protein change: p.Ala47_His48insTer.
Molecular consequence: frameshift variant. On other transcripts: non-coding transcript variant (1).
Genome position (GRCh38, 1-based): chr10:93,698,332-93,698,333, GG deleted on the plus strand (CC on the coding strand, the reverse complement: FRA10AC1 is on the minus strand); deleting any 2 consecutive bases within chr10:93,698,332-93,698,334 gives the same sequence; the c. name uses the placement nearest the transcript's 3' end. VCF-style (leftmost placement, unchanged base first): chr10-93698331-TGG-T. GRCh37 (hg19) VCF-style: chr10-95458088-TGG-T.
Other names: c.141_142del, p.Ala47_His48insTer (NM_001347715.2, NM_001347712.2, NM_001347713.2 and 1 more transcripts).
Identifiers: ClinVar variation 3899427 (VCV003899427.1).